The following is an entry in ClinVar:

NM_182961.4(SYNE1):c.21852A>C (p.Gln7284His)

Gene: SYNE1 (spectrin repeat containing nuclear envelope protein 1; minus strand). Cytogenetic location: 6q25.2.
Variant type: single nucleotide variant.
Coding change: c.21852A>C on transcript NM_182961.4 (MANE Select); coding-DNA position 21852, A replaced by C.
Protein change: p.Gln7284His; replaces glutamine 7284 with histidine.
Molecular consequence: missense variant.
Genome position (GRCh38, 1-based): chr6:152,220,851, T>G on the plus strand (A>C on the coding strand, the complement: SYNE1 is on the minus strand). VCF-style: chr6-152220851-T-G. GRCh37 (hg19) VCF-style: chr6-152541986-T-G.
Other names: c.21639A>C, p.Gln7213His (NM_033071.5); short protein forms Q7284H, Q7213H.
Identifiers: ClinVar variation 2261785 (VCV002261785.5), dbSNP rs2080016939, ClinGen allele CA366104263.

ClinVar aggregate classification (germline): Uncertain significance. Review status: criteria provided, multiple submitters, no conflicts (2 of 4 stars). 3 submissions from 3 submitters: Uncertain significance (3). Last evaluated 2025-08-21.

Conditions:
SYNE1-related disorder. Also called: SYNE1-related disorders; SYNE1-related disease; SYNE1-related condition.
Inborn genetic diseases. Identifiers: MedGen C0950123, MeSH D030342.

Allele frequency attached by ClinVar (database versions not stated): TOPMed below 0.00001; gnomAD exomes 0.00001.
gnomAD v4.1: 15 of 1,613,846 alleles (0.00093%); highest among the groups gnomAD compares: Non-Finnish European, 0.0013%; no homozygotes.

Submissions (3):

GeneDx
Classification: Uncertain significance. Last evaluated: 2025-08-21. Review status: criteria provided, single submitter. Criteria: GeneDx Variant Classification Process June 2021. Collection method: clinical testing. Allele origin: germline. Affected: yes.
Comment: Not observed at significant frequency in large population cohorts (gnomAD); In silico analysis supports that this missense variant has a deleterious effect on protein structure/function; Has not been previously published as pathogenic or benign to our knowledge

PreventionGenetics, part of Exact Sciences
Classification: Uncertain significance for SYNE1-related condition. Last evaluated: 2025-02-05. Review status: criteria provided, single submitter. Criteria: ACMG Guidelines, 2015. Collection method: clinical testing. Allele origin: germline.
Comment: The SYNE1 c.21639A>C variant is predicted to result in the amino acid substitution p.Gln7213His. To our knowledge, this variant has not been reported in the literature or in a large population database (gnomAD), indicating this variant is rare. At this time, the clinical significance of this variant is uncertain due to the absence of conclusive functional and genetic evidence.

Ambry Genetics
Classification: Uncertain significance for Inborn genetic diseases. Last evaluated: 2021-11-15. Review status: criteria provided, single submitter. Criteria: Ambry Variant Classification Scheme 2023. Collection method: clinical testing. Allele origin: germline.